The following is an entry in ClinVar:

ClinVar aggregate classification (germline): Uncertain significance (1 of 4 stars; one submission).

Submission:

Dasa
Classification: Uncertain significance. Last evaluated: 2025-08-26. Review status: criteria provided, single submitter. Criteria: DASA Assertion Criteria. Collection method: clinical testing. Allele origin: germline.
Comment: NM_003041.4(SLC5A2):c.1753G>A (p.Val585Ile) is a missense variant that results in the substitution of valine with isoleucine. This variant is absent from population databases. Computational prediction algorithms are consistent with a benign effect. The currently available literature and clinical evidence are not sufficient to establish a definitive association between this variant and the reported condition. Therefore, this variant is classified as a variant of uncertain significance.

NM_003041.4(SLC5A2):c.1753G>A (p.Val585Ile)

Genes: RUSF1 (RUS family member 1; minus strand), SLC5A2 (solute carrier family 5 member 2; plus strand). Cytogenetic location: 16p11.2.
Variant type: single nucleotide variant.
Coding change: c.1753G>A on transcript NM_003041.4 (MANE Select); coding-DNA position 1753, G replaced by A.
Protein change: p.Val585Ile; replaces valine 585 with isoleucine.
Molecular consequence: missense variant. On other transcripts: 3 prime UTR variant (1), non-coding transcript variant (1).
Genome position (GRCh38, 1-based): chr16:31,490,191, G>A. VCF-style: chr16-31490191-G-A. GRCh37 (hg19) VCF-style: chr16-31501512-G-A.
Other names: c.*644C>T (NM_022744.4); short protein forms V585I.
Identifiers: ClinVar variation 4883189 (VCV004883189.2).